The following is an entry in ClinVar:

ClinVar aggregate classification (germline): Uncertain significance (1 of 4 stars; one submission).

Conditions:
Hereditary hemorrhagic telangiectasia (HHT). Also called: ORW DISEASE; Osler Weber Rendu syndrome; OSLER-RENDU-WEBER DISEASE; Osler hemorrhagic telangiectasia syndrome. Identifiers: Orphanet 774, MedGen C0039445, MONDO:0019180. Disease mechanism: loss of function.

Allele frequency attached by ClinVar (database versions not stated): gnomAD exomes below 0.00001.
gnomAD v4.1: 1 of 1,613,108 alleles (0.000062%); no homozygotes.

Submission:

Labcorp Genetics (formerly Invitae), Labcorp
Classification: Uncertain significance for Hereditary hemorrhagic telangiectasia. Last evaluated: 2019-04-23. Review status: criteria provided, single submitter. Criteria: Invitae Variant Classification Sherloc (09022015). Collection method: clinical testing. Allele origin: germline.
Comment: This sequence change replaces threonine with isoleucine at codon 274 of the ENG protein (p.Thr274Ile). The threonine residue is moderately conserved and there is a moderate physicochemical difference between threonine and isoleucine. This variant is not present in population databases (ExAC no frequency). This variant has been observed in an individuals with clinical features of hereditary hemorrhagic telangiectasia (HHT) (PMID: 24001356, Invitae). Algorithms developed to predict the effect of missense changes on protein structure and function are either unavailable or do not agree on the potential impact of this missense change (SIFT: "Deleterious"; PolyPhen-2: "Probably Damaging"; Align-GVGD: "Class C0"). In summary, the available evidence is currently insufficient to determine the role of this variant in disease. Therefore, it has been classified as a Variant of Uncertain Significance.

Literature cited by the submitters: PubMed 24001356.

NM_001114753.3(ENG):c.821C>T (p.Thr274Ile)

Gene: ENG (endoglin; minus strand). Cytogenetic location: 9q34.11.
Variant type: single nucleotide variant.
Coding change: c.821C>T on transcript NM_001114753.3 (MANE Select); coding-DNA position 821, C replaced by T.
Protein change: p.Thr274Ile; replaces threonine 274 with isoleucine.
Molecular consequence: missense variant.
Genome position (GRCh38, 1-based): chr9:127,824,970, G>A on the plus strand (C>T on the coding strand, the complement: ENG is on the minus strand). VCF-style: chr9-127824970-G-A. GRCh37 (hg19) VCF-style: chr9-130587249-G-A.
Other names: c.821C>T, p.Thr274Ile (NM_000118.4, NM_001406715.1); c.275C>T, p.Thr92Ile (NM_001278138.2); short protein forms T274I, T92I.
Identifiers: ClinVar variation 947891 (VCV000947891.11), dbSNP rs1169613826, ClinGen allele CA374982872.